The following is an entry in ClinVar:

ClinVar aggregate classification (germline): Likely pathogenic (1 of 4 stars; one submission).

Conditions:
Ciliary dyskinesia, primary, 50 (CILD50). Identifiers: MedGen C5830473, MONDO:0957252, OMIM 620356.

Submission:

First Genomix Gene Laboratory, Genetic Diagnostics Department
Classification: Likely pathogenic for Ciliary dyskinesia, primary, 50. Last evaluated: 2025-09-19. Review status: criteria provided, single submitter. Criteria: ACMG Guidelines, 2015. Collection method: clinical testing. Allele origin: germline. Inheritance: Autosomal recessive inheritance. Affected: no. Observed: 1 variant allele.

NM_018897.3(DNAH7):c.3770dup (p.Asn1257fs)

Gene: DNAH7 (dynein axonemal heavy chain 7; minus strand). Cytogenetic location: 2q32.3.
Variant type: Duplication.
Coding change: c.3770dup on transcript NM_018897.3 (MANE Select); coding-DNA position 3770, one base duplicated (A; older notation c.3770dupA).
Protein change: p.Asn1257fs; shifts the reading frame from asparagine 1257.
Molecular consequence: frameshift variant.
Genome position (GRCh38, 1-based): chr2:195,923,650, T duplicated on the plus strand (A on the coding strand, the reverse complement: DNAH7 is on the minus strand); the first of 9 consecutive T bases (chr2:195,923,650-195,923,658); duplicating any one gives the same sequence. VCF-style (leftmost placement, unchanged base first): chr2-195923649-A-AT. GRCh37 (hg19) VCF-style: chr2-196788373-A-AT.
Other names: c.3770dupA (NM_018897.3); short protein forms N1257fs.
Identifiers: ClinVar variation 4850417 (VCV004850417.1).